The following is an entry in ClinVar:

NM_000535.7(PMS2):c.1688_1689delinsAG (p.Arg563Gln)

Gene: PMS2 (PMS1 homolog 2, mismatch repair system component; minus strand). Cytogenetic location: 7p22.1.
Variant type: Indel.
Coding change: c.1688_1689delinsAG on transcript NM_000535.7 (MANE Select); coding-DNA positions 1688 to 1689, GA replaced by AG.
Protein change: p.Arg563Gln; replaces arginine 563 with glutamine.
Molecular consequence: missense variant. On other transcripts: non-coding transcript variant (1).
Genome position (GRCh38, 1-based): chr7:5,987,076-5,987,077, TC replaced by CT on the plus strand (GA replaced by AG on the coding strand, the reverse complement: PMS2 is on the minus strand). VCF-style: chr7-5987076-TC-CT. GRCh37 (hg19) VCF-style: chr7-6026707-TC-CT.
Other names: c.1283_1284delinsAG, p.Arg428Gln (NM_001322003.2, NM_001322004.2, NM_001322005.2 and 1 more transcripts); c.1532_1533delinsAG, p.Arg511Gln (NM_001322006.2); c.1370_1371delinsAG, p.Arg457Gln (NM_001322007.2, NM_001322008.2); c.1127_1128delinsAG, p.Arg376Gln (NM_001322010.2); c.755_756delinsAG, p.Arg252Gln (NM_001322011.2, NM_001322012.2); c.1115_1116delinsAG, p.Arg372Gln (NM_001322013.2); c.1688_1689delinsAG, p.Arg563Gln (NM_001322014.2); c.1379_1380delinsAG, p.Arg460Gln (NM_001322015.2); short protein forms R372Q, R511Q, R376Q, R457Q, R252Q, R428Q, R563Q, R460Q.
Identifiers: ClinVar variation 135940 (VCV000135940.37), dbSNP rs587780725, ClinGen allele CA010042.

ClinVar aggregate classification (germline): Conflicting classifications of pathogenicity. Review status: criteria provided, conflicting classifications (1 of 4 stars). 9 submissions from 9 submitters: Uncertain significance (4); Likely benign (5). Last evaluated 2026-02-03.

Conditions:
Hereditary nonpolyposis colorectal neoplasms. Identifiers: MedGen C0009405, MeSH D003123.
Mismatch repair cancer syndrome 4. Identifiers: MedGen C5436817, MONDO:0030843, OMIM 619101.
Lynch syndrome 4 (LYNCH4). Also called: Colorectal cancer, hereditary nonpolyposis, type 4; Hereditary non-polyposis colorectal cancer, type 4. Identifiers: Orphanet 144, MedGen C1838333, MONDO:0013699, OMIM 614337. Disease mechanism: loss of function.
Breast and/or ovarian cancer. Identifiers: MedGen CN221562.
Hereditary cancer-predisposing syndrome. Also called: Tumor predisposition; Hereditary neoplastic syndrome; Neoplastic Syndromes, Hereditary; Hereditary Cancer Syndrome. Identifiers: Orphanet 140162, MedGen C0027672, MeSH D009386, MONDO:0015356.

Submissions (9):

Labcorp Genetics (formerly Invitae), Labcorp
Classification: Likely benign for Hereditary nonpolyposis colorectal neoplasms. Last evaluated: 2026-02-03. Review status: criteria provided, single submitter. Criteria: Invitae Variant Classification Sherloc (09022015). Collection method: clinical testing. Allele origin: germline.

Center for Genomic Medicine, Rigshospitalet, Copenhagen University Hospital
Classification: Uncertain significance. Last evaluated: 2025-12-29. Review status: criteria provided, single submitter. Criteria: ACMG Guidelines, 2015. Collection method: clinical testing. Allele origin: germline.

Women's Health and Genetics/Laboratory Corporation of America, LabCorp
Classification: Likely benign. Last evaluated: 2025-10-06. Review status: criteria provided, single submitter. Criteria: LabCorp Variant Classification Summary - May 2015. Collection method: clinical testing. Allele origin: germline.
Comment: Variant summary: PMS2 c.1688_1689delinsAG (p.Arg563Gln) results in a conservative amino acid change in the encoded protein sequence. Algorithms developed to predict the effect of missense changes on protein structure and function are either unavailable or do not agree on the potential impact of this missense change. The variant was absent in 276964 control chromosomes (gnomAD). However, another variant with the same codon change, observed variant frequency is approximately 3 fold of the estimated maximal expected allele frequency for a pathogenic variant in PMS2 causing Hereditary Nonpolyposis Colorectal Cancer phenotype (7.1e-05), strongly suggesting that the variant is benign. c.1688_1689delinsAG has been reported in the literature in one individual affected with Breast Cancer (Chan_2018). This report does not provide unequivocal conclusions about association of the variant with Hereditary Nonpolyposis Colorectal Cancer. To our knowledge, no experimental evidence demonstrating an impact on protein function has been reported. The following publication have been ascertained in the context of this evaluation (PMID: 30093976). ClinVar contains an entry for this variant (Variation ID: 135940). Based on the evidence outlined above, the variant was classified as likely benign.

Department of Pathology and Laboratory Medicine, Sinai Health System
Classification: Uncertain significance for Lynch syndrome 4; Mismatch repair cancer syndrome 4. Last evaluated: 2024-12-11. Review status: criteria provided, single submitter. Criteria: ACMG Guidelines, 2015. Collection method: clinical testing. Allele origin: germline. Affected: yes.

CeGaT Center for Human Genetics Tuebingen
Classification: Likely benign. Last evaluated: 2024-02-01. Review status: criteria provided, single submitter. Criteria: CeGaT Center For Human Genetics Tuebingen Variant Classification Criteria Version 2. Collection method: clinical testing. Allele origin: germline. Affected: yes. Observed: 1 variant allele.
Comment: PMS2: BP1

CHEO Genetics Diagnostic Laboratory, Children's Hospital of Eastern Ontario
Classification: Uncertain significance for Breast and/or ovarian cancer. Last evaluated: 2022-12-23. Review status: criteria provided, single submitter. Criteria: ACMG Guidelines, 2015. Collection method: clinical testing. Allele origin: germline.

Color Diagnostics, LLC DBA Color Health
Classification: Likely benign for Hereditary cancer-predisposing syndrome. Last evaluated: 2021-09-13. Review status: criteria provided, single submitter. Criteria: ACMG Guidelines, 2015. Collection method: clinical testing. Allele origin: germline.

Ambry Genetics
Classification: Likely benign for Hereditary cancer-predisposing syndrome. Last evaluated: 2021-05-05. Review status: criteria provided, single submitter. Criteria: Ambry Variant Classification Scheme 2023. Collection method: clinical testing. Allele origin: germline.

PreventionGenetics, part of Exact Sciences
Classification: Uncertain significance. Last evaluated: 2018-01-15. Review status: criteria provided, single submitter. Criteria: ACMG Guidelines, 2015. Collection method: clinical testing. Allele origin: germline.

Literature cited by the submitters: PubMed 30093976 (cited by 3 submitters).